The following is an entry in ClinVar:

NM_000551.4(VHL):c.2T>C (p.Met1Thr)

Gene: VHL (von Hippel-Lindau tumor suppressor; plus strand). Cytogenetic location: 3p25.3.
Variant type: single nucleotide variant.
Coding change: c.2T>C on transcript NM_000551.4 (MANE Select); coding-DNA position 2, T replaced by C.
Protein change: p.Met1Thr; changes the start codon (methionine 1).
Molecular consequence: missense variant, initiator codon variant. On other transcripts: non-coding transcript variant (1).
Genome position (GRCh38, 1-based): chr3:10,141,849, T>C. VCF-style: chr3-10141849-T-C. GRCh37 (hg19) VCF-style: chr3-10183533-T-C.
Other names: c.2T>C, p.Met1Thr (NM_001354723.2, NM_198156.3); short protein forms M1T.
Identifiers: ClinVar variation 3979712 (VCV003979712.2).

ClinVar aggregate classification (germline): Uncertain significance (1 of 4 stars; one submission).

Conditions:
Hereditary cancer-predisposing syndrome. Also called: Tumor predisposition; Hereditary neoplastic syndrome; Neoplastic Syndromes, Hereditary; Hereditary Cancer Syndrome. Identifiers: Orphanet 140162, MedGen C0027672, MeSH D009386, MONDO:0015356.

Submission:

Ambry Genetics
Classification: Uncertain significance for Hereditary cancer-predisposing syndrome. Last evaluated: 2025-09-17. Review status: criteria provided, single submitter. Criteria: Ambry Variant Classification Scheme 2023. Collection method: clinical testing. Allele origin: germline.
Comment: The p.M1? variant (also known as c.2T>C) is located in coding exon 1 of the VHL gene and results from a T to C substitution at nucleotide position 2. This alters the methionine residue at the initiation codon (ATG). Variations that modify the initiation codon (ATG) are expected to result in either loss of translation initiation, N-terminal truncation, or cause a shift in the mRNA reading frame; however, there is an in-frame methionine 54 amino acids from the initiation site, which is reported to result in a biologically active isoform known as VHL 19 (Schoenfeld A et al. Proc. Natl. Acad. Sci. U.S.A. 1998 Jul; 95(15):8817-22; Iliopoulos O et al. Proc. Natl. Acad. Sci. U.S.A. 1998 Sep; 95(20):11661-6). This amino acid position is not well conserved in available vertebrate species. Based on the available evidence, the clinical significance of this variant remains unclear.